The following is an entry in ClinVar:

ClinVar aggregate classification (germline): Uncertain significance (1 of 4 stars; one submission).

Submission:

Labcorp Genetics (formerly Invitae), Labcorp
Classification: Uncertain significance. Last evaluated: 2024-03-17. Review status: criteria provided, single submitter. Criteria: Invitae Variant Classification Sherloc (09022015). Collection method: clinical testing. Allele origin: germline.
Comment: This sequence change falls in intron 60 of the COL11A2 gene. It does not directly change the encoded amino acid sequence of the COL11A2 protein. It affects a nucleotide within the consensus splice site. This variant is not present in population databases (gnomAD no frequency). This variant has not been reported in the literature in individuals affected with COL11A2-related conditions. Variants that disrupt the consensus splice site are a relatively common cause of aberrant splicing (PMID: 17576681, 9536098). Algorithms developed to predict the effect of sequence changes on RNA splicing suggest that this variant is not likely to affect RNA splicing. In summary, the available evidence is currently insufficient to determine the role of this variant in disease. Therefore, it has been classified as a Variant of Uncertain Significance.

Literature cited by the submitters: PubMed 17576681; PubMed 9536098.

NM_080680.3(COL11A2):c.4393-3C>T

Gene: COL11A2 (collagen type XI alpha 2 chain; minus strand). Cytogenetic location: 6p21.32.
Variant type: single nucleotide variant.
Coding change: c.4393-3C>T on transcript NM_080680.3 (MANE Select); 3 bases into the intron before coding-DNA position 4393, C replaced by T.
Molecular consequence: intron variant.
Genome position (GRCh38, 1-based): chr6:33,166,209, G>A on the plus strand (C>T on the coding strand, the complement: COL11A2 is on the minus strand). VCF-style: chr6-33166209-G-A. GRCh37 (hg19) VCF-style: chr6-33133986-G-A.
Other names: c.3367-3C>T (NM_001424111.1, NM_001424110.1); c.4072-3C>T (NM_080679.3); c.4135-3C>T (NM_080681.3); c.4213-3C>T (NM_001424108.1); c.3547-3C>T (NM_001424109.1); c.2347-3C>T (NM_001424112.1).
Identifiers: ClinVar variation 3710055 (VCV003710055.2).
Genomic context (GRCh38, chr6:33,166,209, plus strand): 5'-AGAGCTGAAGGGGGTCACTCACTGTGGCTCCTTTGGCTCCTTTGGGGCCAGCAGGTCCCT[G>A]TGAAATGAGGAACAAGAAAGAGACGGTCACTGCAGGGGAAGGACAGGACTCAGAGGAGCG-3'